The following is an entry in ClinVar:

ClinVar aggregate classification (germline): Conflicting classifications of pathogenicity. Review status: criteria provided, conflicting classifications (1 of 4 stars). 2 submissions from 2 submitters: Uncertain significance (1); Likely benign (1). Last evaluated 2025-12-24.

Conditions:
Immunodeficiency 51 (IMD51). Also called: CANDIDIASIS, FAMILIAL, 5. Identifiers: Orphanet 1334, MedGen C4310803, MONDO:0013500, OMIM 613953.

Allele frequency attached by ClinVar (database versions not stated): gnomAD exomes 0.00007 and 0.00014; ExAC 0.00009; ESP Exome Variant Server 0.00023; 1000 Genomes Project 0.00040; 1000 Genomes Project 30x 0.00047; gnomAD 0.00060 and 0.00069; TOPMed 0.00074.
gnomAD v4.1: 193 of 1,613,898 alleles (0.012%); highest among the groups gnomAD compares: African/African-American, 0.23%; 1 homozygote.

Submissions (2):

Labcorp Genetics (formerly Invitae), Labcorp
Classification: Likely benign for Immunodeficiency 51. Last evaluated: 2025-12-24. Review status: criteria provided, single submitter. Criteria: Invitae Variant Classification Sherloc (09022015). Collection method: clinical testing. Allele origin: germline.

Baylor Genetics
Classification: Uncertain significance for Immunodeficiency 51. Last evaluated: 2020-09-02. Review status: criteria provided, single submitter. Criteria: ACMG Guidelines, 2015. Collection method: clinical testing. Allele origin: unknown. Affected: yes.
Comment: This variant was determined to be of uncertain significance according to ACMG Guidelines, 2015 [PMID:25741868].

NM_014339.7(IL17RA):c.1232C>T (p.Ala411Val)

Gene: IL17RA (interleukin 17 receptor A; plus strand). Cytogenetic location: 22q11.1.
Variant type: single nucleotide variant.
Coding change: c.1232C>T on transcript NM_014339.7 (MANE Select); coding-DNA position 1232, C replaced by T.
Protein change: p.Ala411Val; replaces alanine 411 with valine.
Molecular consequence: missense variant.
Genome position (GRCh38, 1-based): chr22:17,108,451, C>T. VCF-style: chr22-17108451-C-T. GRCh37 (hg19) VCF-style: chr22-17589341-C-T.
Other names: c.1130C>T, p.Ala377Val (NM_001289905.2); short protein forms A377V, A411V.
Identifiers: ClinVar variation 719755 (VCV000719755.13), dbSNP rs151166583, ClinGen allele CA10086703.